The following is an entry in ClinVar:

NC_000015.10:g.(?_25375445)_(25375783_?)del

Genes: SNHG14 (small nucleolar RNA host gene 14; plus strand), UBE3A (ubiquitin protein ligase E3A; minus strand). Cytogenetic location: 15q11.2.
Variant type: Deletion.
Identifiers: ClinVar variation 584072 (VCV000584072.7).

ClinVar aggregate classification (germline): Pathogenic (1 of 4 stars; one submission).

Conditions:
Angelman syndrome (AS). Also called: HAPPY PUPPET SYNDROME. Identifiers: Orphanet 72, MedGen C0162635, MONDO:0007113, OMIM 105830. Disease mechanism: loss of function. Inheritance: AS is caused by disruption of maternally imprinted UBE3A located within the 15q11.2-q13 Angelman syndrome/Prader-Willi syndrome (AS/PWS) region., imprinting disorder.

Submission:

Labcorp Genetics (formerly Invitae), Labcorp
Classification: Pathogenic for Angelman syndrome. Last evaluated: 2018-05-24. Review status: criteria provided, single submitter. Criteria: Invitae Variant Classification Sherloc (09022015). Collection method: clinical testing. Allele origin: germline.
Comment: This variant is a gross deletion of the genomic region encompassing exon 2 of the UBE3A gene, which includes the initiator codon. This is expected to result in an absent or disrupted protein product. Deletion of exon 2 has been observed to be de novo in an individual affected with Angelman syndrome (PMID:¬†29162042). Loss-of-function variants in UBE3A are known to be pathogenic (PMID: 25212744). For these reasons, this variant has been classified as Pathogenic.

Literature cited by the submitters: PubMed 25212744.